The following is an entry in ClinVar:

NM_001360016.2(G6PD):c.*304T>C

Gene: G6PD (glucose-6-phosphate dehydrogenase; minus strand). Cytogenetic location: Xq28.
Variant type: single nucleotide variant.
Coding change: c.*304T>C on transcript NM_001360016.2 (MANE Select); 304 bases downstream of the stop codon, T replaced by C.
Molecular consequence: 3 prime UTR variant.
Genome position (GRCh38, 1-based): chrX:154,531,696, A>G on the plus strand (T>C on the coding strand, the complement: G6PD is on the minus strand). VCF-style: chrX-154531696-A-G. GRCh37 (hg19) VCF-style: chrX-153759911-A-G.
Other names: c.*304T>C (NM_000402.4, NM_001042351.3).
Identifiers: ClinVar variation 1722655 (VCV001722655.3), dbSNP rs111485003, ClinGen allele CA337315373.

ClinVar aggregate classification (germline): Likely benign (1 of 4 stars; one submission).

Conditions:
Anemia, nonspherocytic hemolytic, due to G6PD deficiency (CNSHA1). Also called: Hemolytic anemia due to G6PD deficiency; Class I glucose-6-phosphate dehydrogenase deficiency; Favism, susceptibility to; ANEMIA, CONGENITAL, NONSPHEROCYTIC HEMOLYTIC, 1. Identifiers: Orphanet 466026, MedGen C2720289, MONDO:0010480, OMIM 300908.

Submission:

Dunham Lab, University of Washington
Classification: Likely benign for Anemia, nonspherocytic hemolytic, due to G6PD deficiency. Last evaluated: 2024-12-05. Review status: criteria provided, single submitter. Criteria: Bayesian ACMG Guidelines, 2018. Collection method: curation. Allele origin: unknown. Affected: no.
Comment: Variant found in individuals without G6PD deficiency whose activity in RBCs is within normal range (BS2); only occurance in an individual with deficiency has other SNVs that were found alone to contribute to deficiency (BP5). Not predicted to alter mRNA folding or miRNA target sites (BP4). Post_P 0.0014 (odds of pathogenicity 0.0124, Prior_P 0.1).

Literature cited by the submitters: PubMed 23389243.